The following is an entry in ClinVar:

NM_001312909.2(FAM111A):c.377T>C (p.Met126Thr)

Gene: FAM111A (FAM111 trypsin like peptidase A; plus strand). Cytogenetic location: 11q12.1.
Variant type: single nucleotide variant.
Coding change: c.377T>C on transcript NM_001312909.2 (MANE Select); coding-DNA position 377, T replaced by C.
Protein change: p.Met126Thr; replaces methionine 126 with threonine.
Molecular consequence: missense variant.
Genome position (GRCh38, 1-based): chr11:59,152,045, T>C. VCF-style: chr11-59152045-T-C. GRCh37 (hg19) VCF-style: chr11-58919518-T-C.
Other names: c.377T>C, p.Met126Thr (NM_001142519.3, NM_001142520.3, NM_001142521.3 and 29 more transcripts); c.377T>C (NM_001142520.1); short protein forms M126T.
Identifiers: ClinVar variation 1937870 (VCV001937870.7), dbSNP rs759151076, ClinGen allele CA6016567.

ClinVar aggregate classification (germline): Conflicting classifications of pathogenicity. Review status: criteria provided, conflicting classifications (1 of 4 stars). 4 submissions from 4 submitters: Uncertain significance (3); Likely benign (1). Last evaluated 2025-03-17.

Conditions:
Autosomal dominant Kenny-Caffey syndrome. Also called: Kenny-Caffey syndrome type 2. Identifiers: Orphanet 2333, Orphanet 93325, MedGen C4316787, MONDO:0007478, OMIM 127000.
Osteocraniostenosis (GCLEB). Also called: Osteocraniostenosis (Gracile Bone Dysplasia); HABRODYSPLASIA; OSTEOCRANIOSPLENIC SYNDROME. Identifiers: Orphanet 2763, MedGen C1865639, MONDO:0011215, OMIM 602361.
Inborn genetic diseases. Identifiers: MedGen C0950123, MeSH D030342.

Allele frequency attached by ClinVar (database versions not stated): TOPMed below 0.00001; ExAC 0.00001; gnomAD 0.00001; gnomAD exomes 0.00001.

Submissions (4):

Labcorp Genetics (formerly Invitae), Labcorp
Classification: Uncertain significance. Last evaluated: 2025-03-17. Review status: criteria provided, single submitter. Criteria: Invitae Variant Classification Sherloc (09022015). Collection method: clinical testing. Allele origin: germline.
Comment: This sequence change replaces methionine, which is neutral and non-polar, with threonine, which is neutral and polar, at codon 126 of the FAM111A protein (p.Met126Thr). This variant is present in population databases (rs759151076, gnomAD 0.002%). This variant has not been reported in the literature in individuals affected with FAM111A-related conditions. ClinVar contains an entry for this variant (Variation ID: 1937870). Invitae Evidence Modeling of protein sequence and biophysical properties (such as structural, functional, and spatial information, amino acid conservation, physicochemical variation, residue mobility, and thermodynamic stability) has been performed for this missense variant. However, the output from this modeling did not meet the statistical confidence thresholds required to predict the impact of this variant on FAM111A protein function. In summary, the available evidence is currently insufficient to determine the role of this variant in disease. Therefore, it has been classified as a Variant of Uncertain Significance.

Ambry Genetics
Classification: Uncertain significance for Inborn genetic diseases. Last evaluated: 2025-01-15. Review status: criteria provided, single submitter. Criteria: Ambry Variant Classification Scheme 2023. Collection method: clinical testing. Allele origin: germline.

Department of Pathology and Laboratory Medicine, Sinai Health System
Classification: Uncertain significance for Autosomal dominant Kenny-Caffey syndrome; Osteocraniostenosis. Last evaluated: 2023-06-01. Review status: criteria provided, single submitter. Criteria: ACMG Guidelines, 2015. Collection method: research. Allele origin: germline.

Blueprint Genetics
Classification: Likely benign. Last evaluated: 2020-07-29. Review status: criteria provided, single submitter. Criteria: ACMG Guidelines, 2015. Collection method: clinical testing. Allele origin: germline.